The following is an entry in ClinVar:

ClinVar aggregate classification (germline): Uncertain significance (1 of 4 stars; one submission).

gnomAD v4.1: 1 of 1,613,968 alleles (0.000062%); highest among the groups gnomAD compares: Non-Finnish European, 0.000085%; no homozygotes.

Submission:

Labcorp Genetics (formerly Invitae), Labcorp
Classification: Uncertain significance. Last evaluated: 2025-03-30. Review status: criteria provided, single submitter. Criteria: Invitae Variant Classification Sherloc (09022015). Collection method: clinical testing. Allele origin: germline.
Comment: This sequence change replaces tryptophan, which is neutral and slightly polar, with arginine, which is basic and polar, at codon 1144 of the ARHGAP31 protein (p.Trp1144Arg). This variant is not present in population databases (gnomAD no frequency). This variant has not been reported in the literature in individuals affected with ARHGAP31-related conditions. An algorithm developed to predict the effect of missense changes on protein structure and function (PolyPhen-2) suggests that this variant is likely to be disruptive. In summary, the available evidence is currently insufficient to determine the role of this variant in disease. Therefore, it has been classified as a Variant of Uncertain Significance.

NM_020754.4(ARHGAP31):c.3430T>A (p.Trp1144Arg)

Gene: ARHGAP31 (Rho GTPase activating protein 31; plus strand). Cytogenetic location: 3q13.33.
Variant type: single nucleotide variant.
Coding change: c.3430T>A on transcript NM_020754.4 (MANE Select); coding-DNA position 3430, T replaced by A.
Protein change: p.Trp1144Arg; replaces tryptophan 1144 with arginine.
Molecular consequence: missense variant.
Genome position (GRCh38, 1-based): chr3:119,415,359, T>A. VCF-style: chr3-119415359-T-A. GRCh37 (hg19) VCF-style: chr3-119134206-T-A.
Other names: short protein forms W1144R.
Identifiers: ClinVar variation 4781703 (VCV004781703.1).
Genomic context (GRCh38, chr3:119,415,359, plus strand): 5'-GTGGCCTCATTTAGTTCACCTGGAATGCAGGTCTCTGAGCCAGGAGACCCAAAGGTCACA[T>A]GGATGACCTCATCTTACTGTAAAGCAGACCCCTGGAGGGTTTACTCCCAGGACCCCCAGG-3'
Protein context (NP_065805.2, residues 1134-1154): VSEPGDPKVT[Trp1144Arg]MTSSYCKADP